The following is an entry in ClinVar:

ClinVar aggregate classification (germline): Uncertain significance (1 of 4 stars; one submission).

Conditions:
Pityriasis rubra pilaris (PRP). Also called: Pityriasis rubra pilaris--familial type. Identifiers: Orphanet 2897, MedGen C0032027, MONDO:0100017, OMIM 173200, MONDO:0008251.
Psoriasis 2. Identifiers: MedGen C1864497, MONDO:0011269, OMIM 602723.

gnomAD v4.1: 4 of 1,613,656 alleles (0.00025%); highest among the groups gnomAD compares: South Asian, 0.0022%; 1 homozygote.

Submission:

Labcorp Genetics (formerly Invitae), Labcorp
Classification: Uncertain significance for Pityriasis rubra pilaris; Psoriasis 2. Last evaluated: 2023-08-10. Review status: criteria provided, single submitter. Criteria: Invitae Variant Classification Sherloc (09022015). Collection method: clinical testing. Allele origin: germline.
Comment: In summary, the available evidence is currently insufficient to determine the role of this variant in disease. Therefore, it has been classified as a Variant of Uncertain Significance. Advanced modeling of protein sequence and biophysical properties (such as structural, functional, and spatial information, amino acid conservation, physicochemical variation, residue mobility, and thermodynamic stability) performed at Invitae indicates that this missense variant is expected to disrupt CARD14 protein function. ClinVar contains an entry for this variant (Variation ID: 1060735). This variant has not been reported in the literature in individuals affected with CARD14-related conditions. This variant is present in population databases (no rsID available, gnomAD 0.003%). This sequence change replaces threonine, which is neutral and polar, with arginine, which is basic and polar, at codon 393 of the CARD14 protein (p.Thr393Arg).

NM_001366385.1(CARD14):c.1178C>G (p.Thr393Arg)

Gene: CARD14 (caspase recruitment domain family member 14; plus strand). Cytogenetic location: 17q25.3.
Variant type: single nucleotide variant.
Coding change: c.1178C>G on transcript NM_001366385.1 (MANE Select); coding-DNA position 1178, C replaced by G.
Protein change: p.Thr393Arg; replaces threonine 393 with arginine.
Molecular consequence: missense variant. On other transcripts: non-coding transcript variant (1).
Genome position (GRCh38, 1-based): chr17:80,191,411, C>G. VCF-style: chr17-80191411-C-G. GRCh37 (hg19) VCF-style: chr17-78165210-C-G.
Other names: c.1178C>G, p.Thr393Arg (NM_001257970.1, NM_024110.4); c.467C>G, p.Thr156Arg (NM_052819.3); short protein forms T156R, T393R.
Identifiers: ClinVar variation 1060735 (VCV001060735.9), dbSNP rs149287760, ClinGen allele CA401346290.